The following is an entry in ClinVar:

NM_001429.4(EP300):c.1044T>C (p.Ala348=)

Gene: EP300 (EP300 lysine acetyltransferase; plus strand). Cytogenetic location: 22q13.2.
Variant type: single nucleotide variant.
Coding change: c.1044T>C on transcript NM_001429.4 (MANE Select); coding-DNA position 1044, T replaced by C.
Protein change: p.Ala348=; no amino-acid change (alanine 348 retained).
Molecular consequence: synonymous variant.
Genome position (GRCh38, 1-based): chr22:41,127,624, T>C. VCF-style: chr22-41127624-T-C. GRCh37 (hg19) VCF-style: chr22-41523628-T-C.
Other names: c.1044T>C, p.Ala348= (NM_001362843.2).
Identifiers: ClinVar variation 2740967 (VCV002740967.4), dbSNP rs779317339, ClinGen allele CA10252417.
Genomic context (GRCh38, chr22:41,127,624, plus strand): 5'-TACAGCTGATCCAGAGAAGCGCAAGCTCATCCAGCAGCAGCTTGTTCTCCTTTTGCATGC[T>C]CACAAGTGCCAGCGCCGGGAACAGGCCAATGGGGAAGTGAGGCAGTGCAACCTTCCCCAC-3'
Protein context (NP_001420.2, residues 338-358): IQQQLVLLLH[Ala348=]HKCQRREQAN

ClinVar aggregate classification (germline): Benign. Review status: criteria provided, multiple submitters, no conflicts (2 of 4 stars). 2 submissions from 2 submitters: Benign (2). Last evaluated 2024-04-04.

Conditions:
Rubinstein-Taybi syndrome due to EP300 haploinsufficiency. Also called: EP300-Related Rubinstein-Taybi Syndrome; RUBINSTEIN-TAYBI SYNDROME 2. Identifiers: Orphanet 353284, Orphanet 783, MedGen C3150941, MONDO:0013364, OMIM 613684.

Allele frequency attached by ClinVar (database versions not stated): gnomAD exomes below 0.00001; gnomAD 0.00001; ExAC 0.00002; TOPMed 0.00002.
gnomAD v4.1: 9 of 1,614,066 alleles (0.00056%); highest among the groups gnomAD compares: East Asian, 0.02%; no homozygotes.

Submissions (2):

Women's Health and Genetics/Laboratory Corporation of America, LabCorp
Classification: Benign. Last evaluated: 2024-04-04. Review status: criteria provided, single submitter. Criteria: LabCorp Variant Classification Summary - May 2015. Collection method: clinical testing. Allele origin: germline.
Comment: Variant summary: EP300 c.1044T>C alters a conserved nucleotide resulting in a synonymous change. Consensus agreement among computation tools predict no significant impact on normal splicing. However, these predictions have yet to be confirmed by functional studies. The variant allele was found at a frequency of 2.8e-05 in 251456 control chromosomes, predominantly at a frequency of 0.00038 within the East Asian subpopulation (in 9 carriers) in the gnomAD database (v2.1 dataset). The occurrence in several carriers suggests that this variant is likely not associated with a high penetrance, severe, early onset disease phenotype in heterozygous state. To our knowledge, no occurrence of c.1044T>C in individuals affected with Rubinstein-Taybi Syndrome 2 and no experimental evidence demonstrating its impact on protein function have been reported. ClinVar contains an entry for this variant (Variation ID: 2740967). Based on the evidence outlined above, the variant was classified as benign.

Labcorp Genetics (formerly Invitae), Labcorp
Classification: Benign for Rubinstein-Taybi syndrome due to EP300 haploinsufficiency. Last evaluated: 2023-12-25. Review status: criteria provided, single submitter. Criteria: Invitae Variant Classification Sherloc (09022015). Collection method: clinical testing. Allele origin: germline.